The following is an entry in ClinVar:

ClinVar aggregate classification (germline): Pathogenic (1 of 4 stars; one submission).

Conditions:
SETD5-related disorder. Also called: SETD5-related disorders; SETD5-related condition.

Submission:

GeneDx
Classification: Pathogenic. Last evaluated: 2017-07-11. Review status: criteria provided, single submitter. Criteria: GeneDx Variant Classification (06012015). Collection method: clinical testing. Allele origin: germline. Affected: yes.
Comment: The C402X variant in the SETD5 gene has not been reported previously as a pathogenic variant nor as a benign variant, to our knowledge. This variant is predicted to cause loss of normal protein function either through protein truncation or nonsense-mediated mRNA decay. The C402X variant is not observed in large population cohorts (Lek et al., 2016; 1000 Genomes Consortium et al., 2015; Exome Variant Server). We interpret C402X as a pathogenic variant.

NM_001080517.3(SETD5):c.1206T>A (p.Cys402Ter)

Gene: SETD5 (SET domain containing 5; plus strand). Cytogenetic location: 3p25.3.
Variant type: single nucleotide variant.
Coding change: c.1206T>A on transcript NM_001080517.3 (MANE Select); coding-DNA position 1206, T replaced by A.
Protein change: p.Cys402Ter; replaces cysteine 402 with a stop codon.
Molecular consequence: nonsense.
Genome position (GRCh38, 1-based): chr3:9,445,066, T>A. VCF-style: chr3-9445066-T-A. GRCh37 (hg19) VCF-style: chr3-9486750-T-A.
Other names: c.912T>A, p.Cys304Ter (NM_001292043.2, NM_001349451.2); short protein forms C402*, C304*.
Identifiers: ClinVar variation 450270 (VCV000450270.4), dbSNP rs1553623299, ClinGen allele CA351691822.